The following is an entry in ClinVar:

NM_001329943.3(KIAA0586):c.1433A>G (p.Asn478Ser)

Gene: KIAA0586 (KIAA0586; plus strand). Cytogenetic location: 14q23.1.
Variant type: single nucleotide variant.
Coding change: c.1433A>G on transcript NM_001329943.3 (MANE Select); coding-DNA position 1433, A replaced by G.
Protein change: p.Asn478Ser; replaces asparagine 478 with serine.
Molecular consequence: missense variant.
Genome position (GRCh38, 1-based): chr14:58,457,829, A>G. VCF-style: chr14-58457829-A-G. GRCh37 (hg19) VCF-style: chr14-58924547-A-G.
Other names: c.1592A>G, p.Asn531Ser (NM_001244189.2); c.1388A>G, p.Asn463Ser (NM_001244190.2); c.1178A>G, p.Asn393Ser (NM_001244191.2, NM_001329945.2, NM_001364700.1 and 1 more transcripts); c.1301A>G, p.Asn434Ser (NM_001244192.2); c.1013A>G, p.Asn338Ser (NM_001244193.2); c.1433A>G, p.Asn478Ser (NM_001329944.2, NM_001329946.2, NM_001329947.2 and 1 more transcripts); c.1433A>G (NM_014749.3); short protein forms N463S, N478S, N338S, N393S, N434S, N531S.
Identifiers: ClinVar variation 1496479 (VCV001496479.8), dbSNP rs773524165, ClinGen allele CA7205658.
Genomic context (GRCh38, chr14:58,457,829, plus strand): 5'-CTCTGAGTATGTTGAAGCTTCCAGATCTTCCACAGAATTCTGTTAAGCTTCAAACAACCA[A>G]TACAACAAGATCTGTATTGAAAGATGCTGAGAAGATTTTGAGAGGAGTACAAAACAATAA-3'
Protein context (NP_001316872.1, residues 468-488): PQNSVKLQTT[Asn478Ser]TTRSVLKDAE

ClinVar aggregate classification (germline): Uncertain significance. Review status: criteria provided, multiple submitters, no conflicts (2 of 4 stars). 2 submissions from 2 submitters: Uncertain significance (2). Last evaluated 2025-11-20.

Conditions:
Inborn genetic diseases. Identifiers: MedGen C0950123, MeSH D030342.
Joubert syndrome 23 (JBTS23). Identifiers: Orphanet 475, MedGen C4084822, MONDO:0014664, OMIM 616490.
Short-rib thoracic dysplasia 14 with polydactyly (SRTD14). Identifiers: Orphanet 397715, MedGen C4225286, MONDO:0014688, OMIM 616546.

Allele frequency attached by ClinVar (database versions not stated): gnomAD exomes 0.00006 and 0.00003; gnomAD 0.00003 and 0.00004; ExAC 0.00010; TOPMed 0.00005.
gnomAD v4.1: 45 of 1,608,452 alleles (0.0028%); highest among the groups gnomAD compares: Admixed American, 0.017%; no homozygotes.

Submissions (2):

Ambry Genetics
Classification: Uncertain significance for Inborn genetic diseases. Last evaluated: 2025-11-20. Review status: criteria provided, single submitter. Criteria: Ambry Variant Classification Scheme 2023. Collection method: clinical testing. Allele origin: germline.

Labcorp Genetics (formerly Invitae), Labcorp
Classification: Uncertain significance for Joubert syndrome 23; Short-rib thoracic dysplasia 14 with polydactyly. Last evaluated: 2024-06-24. Review status: criteria provided, single submitter. Criteria: Invitae Variant Classification Sherloc (09022015). Collection method: clinical testing. Allele origin: germline.
Comment: This sequence change replaces asparagine, which is neutral and polar, with serine, which is neutral and polar, at codon 531 of the KIAA0586 protein (p.Asn531Ser). This variant is present in population databases (rs773524165, gnomAD 0.02%). This variant has not been reported in the literature in individuals affected with KIAA0586-related conditions. ClinVar contains an entry for this variant (Variation ID: 1496479). Advanced modeling of protein sequence and biophysical properties (such as structural, functional, and spatial information, amino acid conservation, physicochemical variation, residue mobility, and thermodynamic stability) performed at Invitae indicates that this missense variant is not expected to disrupt KIAA0586 protein function with a negative predictive value of 80%. In summary, the available evidence is currently insufficient to determine the role of this variant in disease. Therefore, it has been classified as a Variant of Uncertain Significance.